The following is an entry in ClinVar:

ClinVar aggregate classification (germline): Uncertain significance (1 of 4 stars; one submission).

Conditions:
Alpha-methylacyl-CoA racemase deficiency (AMACRD). Also called: AMACR deficiency. Identifiers: Orphanet 79095, MedGen C3280428, MONDO:0013681, OMIM 614307. Disease mechanism: loss of function.

Submission:

Labcorp Genetics (formerly Invitae), Labcorp
Classification: Uncertain significance for Alpha-methylacyl-CoA racemase deficiency. Last evaluated: 2022-05-08. Review status: criteria provided, single submitter. Criteria: Invitae Variant Classification Sherloc (09022015). Collection method: clinical testing. Allele origin: germline.
Comment: In summary, the available evidence is currently insufficient to determine the role of this variant in disease. Therefore, it has been classified as a Variant of Uncertain Significance. Algorithms developed to predict the effect of missense changes on protein structure and function are either unavailable or do not agree on the potential impact of this missense change (SIFT: "Deleterious"; PolyPhen-2: "Possibly Damaging"; Align-GVGD: "Class C15"). This variant has not been reported in the literature in individuals affected with AMACR-related conditions. This variant is not present in population databases (gnomAD no frequency). This sequence change replaces phenylalanine, which is neutral and non-polar, with leucine, which is neutral and non-polar, at codon 315 of the AMACR protein (p.Phe315Leu).

NM_014324.6(AMACR):c.945T>G (p.Phe315Leu)

Genes: C1QTNF3-AMACR (C1QTNF3-AMACR readthrough (NMD candidate); minus strand), AMACR (alpha-methylacyl-CoA racemase; minus strand). Cytogenetic location: 5p13.2.
Variant type: single nucleotide variant.
Coding change: c.945T>G on transcript NM_014324.6 (MANE Select); coding-DNA position 945, T replaced by G.
Protein change: p.Phe315Leu; replaces phenylalanine 315 with leucine.
Molecular consequence: missense variant. On other transcripts: non-coding transcript variant (1), 3 prime UTR variant (1).
Genome position (GRCh38, 1-based): chr5:33,989,297, A>C on the plus strand (T>G on the coding strand, the complement: AMACR is on the minus strand). VCF-style: chr5-33989297-A-C. GRCh37 (hg19) VCF-style: chr5-33989402-A-C.
Other names: c.945T>G, p.Phe315Leu (NM_001167595.2); c.*187T>G (NM_203382.3); short protein forms F315L.
Identifiers: ClinVar variation 1967865 (VCV001967865.5), dbSNP rs2478952194, ClinGen allele CA359398966.